The following is an entry in ClinVar:

NC_000005.9:g.(?_131719829)_(131728317_?)del

Gene: SLC22A5 (solute carrier family 22 member 5; plus strand). Cytogenetic location: 5q31.1.
Variant type: Deletion.
Identifiers: ClinVar variation 1068603 (VCV001068603.6).

ClinVar aggregate classification (germline): Pathogenic (1 of 4 stars; one submission).

Conditions:
Renal carnitine transport defect (CDSP). Also called: Systemic primary carnitine deficiency; Carnitine transporter deficiency; Systemic primary carnitine deficiency disease; CARNITINE DEFICIENCY, SYSTEMIC, DUE TO DEFECT IN RENAL REABSORPTION OF CARNITINE; Primary carnitine deficiency; CARNITINE TRANSPORTER, PLASMA-MEMBRANE, DEFICIENCY OF. Identifiers: Orphanet 158, MedGen C0342788, MONDO:0008919, OMIM 212140.

Submission:

Labcorp Genetics (formerly Invitae), Labcorp
Classification: Pathogenic for Renal carnitine transport defect. Last evaluated: 2021-08-04. Review status: criteria provided, single submitter. Criteria: Invitae Variant Classification Sherloc (09022015). Collection method: clinical testing. Allele origin: germline.
Comment: This variant is a gross deletion of the genomic region encompassing exon(s) 3-8 of the SLC22A5 gene. This deletion is out-of-frame, and is expected to create a premature translational stop signal and result in an absent or disrupted protein product. Loss-of-function variants in SLC22A5 are known to be pathogenic (PMID: 9916797). A similar copy number variant has been observed in individuals with primary carnitine deficiency (Invitae). For these reasons, this variant has been classified as Pathogenic.

Literature cited by the submitters: PubMed 9916797.